The following is an entry in ClinVar:

ClinVar aggregate classification (germline): Uncertain significance (1 of 4 stars; one submission).

Conditions:
Developmental and epileptic encephalopathy, 34 (DEE34). Also called: SLC12A5-Related Epilepsy of Infancy with Migrating Focal Seizures; Early infantile epileptic encephalopathy 34. Identifiers: Orphanet 293181, MedGen C4225257, MONDO:0014718, OMIM 616645.

Submission:

Labcorp Genetics (formerly Invitae), Labcorp
Classification: Uncertain significance for Developmental and epileptic encephalopathy, 34. Last evaluated: 2020-03-14. Review status: criteria provided, single submitter. Criteria: Invitae Variant Classification Sherloc (09022015). Collection method: clinical testing. Allele origin: germline.
Comment: This sequence change replaces glycine with aspartic acid at codon 157 of the SLC12A5 protein (p.Gly157Asp). The glycine residue is highly conserved and there is a moderate physicochemical difference between glycine and aspartic acid. This variant is not present in population databases (ExAC no frequency). This variant has not been reported in the literature in individuals with SLC12A5-related conditions. Algorithms developed to predict the effect of missense changes on protein structure and function are either unavailable or do not agree on the potential impact of this missense change (SIFT: "Deleterious"; PolyPhen-2: "Probably Damaging"; Align-GVGD: "Class C0"). In summary, the available evidence is currently insufficient to determine the role of this variant in disease. Therefore, it has been classified as a Variant of Uncertain Significance.

NM_020708.5(SLC12A5):c.470G>A (p.Gly157Asp)

Gene: SLC12A5 (solute carrier family 12 member 5; plus strand). Cytogenetic location: 20q13.12.
Variant type: single nucleotide variant.
Coding change: c.470G>A on transcript NM_020708.5 (MANE Select); coding-DNA position 470, G replaced by A.
Protein change: p.Gly157Asp; replaces glycine 157 with aspartic acid.
Molecular consequence: missense variant.
Genome position (GRCh38, 1-based): chr20:46,036,784, G>A. VCF-style: chr20-46036784-G-A. GRCh37 (hg19) VCF-style: chr20-44665423-G-A.
Other names: c.539G>A, p.Gly180Asp (NM_001134771.2); short protein forms G157D, G180D.
Identifiers: ClinVar variation 1040075 (VCV001040075.11), dbSNP rs2084502438, ClinGen allele CA409188366.
Genomic context (GRCh38, chr20:46,036,784, plus strand): 5'-GATCTCTTTCCTCACAGACGATGCTCACGGCCATCTCCATGAGTGCAATTGCAACGAATG[G>A]TGTTGTGCCTGGTAGGTGACTGGGGCTTTGTGGGGAGGGAGGATGGCTGGGTGGAAGGAG-3'
Protein context (NP_065759.1, residues 147-167): AISMSAIATN[Gly157Asp]VVPAGGSYYM